The following is an entry in ClinVar:

ClinVar aggregate classification (germline): Uncertain significance (1 of 4 stars; one submission).

Conditions:
Dyskeratosis congenita. Identifiers: Orphanet 1775, MedGen C0265965, MONDO:0015780.

Submission:

Ambry Genetics
Classification: Uncertain significance for Dyskeratosis congenita. Last evaluated: 2025-06-14. Review status: criteria provided, single submitter. Criteria: Ambry Variant Classification Scheme 2023. Collection method: clinical testing. Allele origin: germline.
Comment: The p.E281G variant (also known as c.842A>G), located in coding exon 2 of the TERT gene, results from an A to G substitution at nucleotide position 842. The glutamic acid at codon 281 is replaced by glycine, an amino acid with similar properties. This amino acid position is conserved. In addition, this alteration is predicted to be tolerated by in silico analysis. Based on the available evidence, the clinical significance of this variant remains unclear.

NM_198253.3(TERT):c.842A>G (p.Glu281Gly)

Gene: TERT (telomerase reverse transcriptase; minus strand). Cytogenetic location: 5p15.33.
Variant type: single nucleotide variant.
Coding change: c.842A>G on transcript NM_198253.3 (MANE Select); coding-DNA position 842, A replaced by G.
Protein change: p.Glu281Gly; replaces glutamic acid 281 with glycine.
Molecular consequence: missense variant. On other transcripts: non-coding transcript variant (2).
Genome position (GRCh38, 1-based): chr5:1,294,044, T>C on the plus strand (A>G on the coding strand, the complement: TERT is on the minus strand). VCF-style: chr5-1294044-T-C. GRCh37 (hg19) VCF-style: chr5-1294159-T-C.
Other names: c.842A>G, p.Glu281Gly (NM_001193376.3); short protein forms E281G.
Identifiers: ClinVar variation 3967398 (VCV003967398.1).